The following is an entry in ClinVar:

ClinVar aggregate classification (germline): Pathogenic/Likely pathogenic. Review status: criteria provided, multiple submitters, no conflicts (2 of 4 stars). 3 submissions from 3 submitters: Pathogenic (1); Likely pathogenic (2). Last evaluated 2025-10-03.

Conditions:
Limb-girdle muscular dystrophy due to POMK deficiency. Also called: Muscular dystrophy-dystroglycanopathy (limb-girdle), type c, 12; MUSCULAR DYSTROPHY-DYSTROGLYCANOPATHY, LIMB-GIRDLE, POMK-RELATED. Identifiers: Orphanet 445110, MedGen C4015184, MONDO:0014489, OMIM 616094.
Muscular dystrophy-dystroglycanopathy (congenital with brain and eye anomalies), type a, 12 (MDDGA12). Also called: WALKER-WARBURG SYNDROME OR MUSCLE-EYE-BRAIN DISEASE, POMK-RELATED. Identifiers: Orphanet 899, MedGen C3808964, MONDO:0014101, OMIM 615249.

Submissions (3):

GeneDx
Classification: Likely pathogenic. Last evaluated: 2025-10-03. Review status: criteria provided, single submitter. Criteria: GeneDx Variant Classification Process June 2021. Collection method: clinical testing. Allele origin: germline. Affected: yes.
Comment: Frameshift variant predicted to result in abnormal protein length as the last 336 amino acid(s) are replaced with 84 different amino acid(s), and other similar variants have been reported in HGMD; Not observed at significant frequency in large population cohorts (gnomAD); Has not been previously published as pathogenic or benign to our knowledge

Labcorp Genetics (formerly Invitae), Labcorp
Classification: Pathogenic for Muscular dystrophy-dystroglycanopathy (congenital with brain and eye anomalies), type a, 12; Limb-girdle muscular dystrophy due to POMK deficiency. Last evaluated: 2025-10-03. Review status: criteria provided, single submitter. Criteria: Invitae Variant Classification Sherloc (09022015). Collection method: clinical testing. Allele origin: germline.
Comment: This sequence change creates a premature translational stop signal (p.Arg15Profs*85) in the POMK gene. While this is not anticipated to result in nonsense mediated decay, it is expected to disrupt the last 336 amino acid(s) of the POMK protein. This variant is present in population databases (rs749980792, gnomAD 0.006%). This variant has not been reported in the literature in individuals affected with POMK-related conditions. ClinVar contains an entry for this variant (Variation ID: 817678). This variant disrupts a region of the POMK protein in which other variant(s) (p.Gln109*) have been determined to be pathogenic (PMID: 24556084, 24925318). This suggests that this is a clinically significant region of the protein, and that variants that disrupt it are likely to be disease-causing. For these reasons, this variant has been classified as Pathogenic.

Juno Genomics, Hangzhou Juno Genomics, Inc
Classification: Likely pathogenic for Limb-girdle muscular dystrophy due to POMK deficiency; Muscular dystrophy-dystroglycanopathy (congenital with brain and eye anomalies), type a, 12. Review status: criteria provided, single submitter. Criteria: ACMG Guidelines, 2015. Collection method: clinical testing. Allele origin: germline.
Comment: Null variant in a gene where loss of function (LOF) is a known mechanism of disease.;Absent from controls (or at extremely low frequency if recessive) in Genome Aggregation Database.

Literature cited by the submitters: PubMed 24556084 (cited by Labcorp Genetics (formerly Invitae), Labcorp); PubMed 24925318 (cited by Labcorp Genetics (formerly Invitae), Labcorp).

NM_032237.5(POMK):c.43dup (p.Arg15fs)

Gene: POMK (protein O-mannose kinase; plus strand). Cytogenetic location: 8p11.21.
Variant type: Duplication.
Coding change: c.43dup on transcript NM_032237.5 (MANE Select); coding-DNA position 43, one base duplicated (C; older notation c.43dupC).
Protein change: p.Arg15fs; shifts the reading frame from arginine 15.
Molecular consequence: frameshift variant.
Genome position (GRCh38, 1-based): chr8:43,103,591, C duplicated; the last of 6 consecutive C bases (chr8:43,103,586-43,103,591); duplicating any one gives the same sequence. VCF-style (leftmost placement, unchanged base first): chr8-43103585-G-GC. GRCh37 (hg19) VCF-style: chr8-42958728-G-GC.
Other names: c.43dup (NM_032237.4); c.43dup, p.Arg15fs (NM_001277971.2); short protein forms R15fs.
Identifiers: ClinVar variation 817678 (VCV000817678.10), dbSNP rs749980792, ClinGen allele CA4736172.